The following is an entry in ClinVar:

ClinVar aggregate classification (germline): Uncertain significance (1 of 4 stars; one submission).

Conditions:
Neurofibromatosis, type 1 (NF1). Also called: Neurofibromatosis, type I; NEUROFIBROMATOSIS, TYPE I, SOMATIC; Peripheral type neurofibromatosis; VON RECKLINGHAUSEN DISEASE. Identifiers: Orphanet 636, MedGen C0027831, MONDO:0018975, OMIM 162200. Disease mechanism: loss of function.

Submission:

Labcorp Genetics (formerly Invitae), Labcorp
Classification: Uncertain significance for Neurofibromatosis, type 1. Last evaluated: 2023-05-07. Review status: criteria provided, single submitter. Criteria: Invitae Variant Classification Sherloc (09022015). Collection method: clinical testing. Allele origin: germline.
Comment: This sequence change falls in intron 37 of the NF1 gene. It does not directly change the encoded amino acid sequence of the NF1 protein. This variant is not present in population databases (gnomAD no frequency). This variant has not been reported in the literature in individuals affected with NF1-related conditions. Algorithms developed to predict the effect of sequence changes on RNA splicing suggest that this variant may disrupt the consensus splice site. In summary, the available evidence is currently insufficient to determine the role of this variant in disease. Therefore, it has been classified as a Variant of Uncertain Significance.

NM_001042492.3(NF1):c.5610-13T>G

Gene: NF1 (neurofibromin 1; plus strand). Cytogenetic location: 17q11.2.
Variant type: single nucleotide variant.
Coding change: c.5610-13T>G on transcript NM_001042492.3 (MANE Select); 13 bases into the intron before coding-DNA position 5610, T replaced by G.
Molecular consequence: intron variant.
Genome position (GRCh38, 1-based): chr17:31,330,283, T>G. VCF-style: chr17-31330283-T-G. GRCh37 (hg19) VCF-style: chr17-29657301-T-G.
Other names: c.5547-13T>G (NM_000267.4).
Identifiers: ClinVar variation 2862400 (VCV002862400.3), dbSNP rs2151544347, ClinGen allele CA2739267474.